The following is an entry in ClinVar:

ClinVar aggregate classification (germline): Uncertain significance (1 of 4 stars; one submission).

Conditions:
Focal segmental glomerulosclerosis 2 (FSGS2). Identifiers: Orphanet 656, MedGen C1858915, MONDO:0011390, OMIM 603965.

gnomAD v4.1: 1 of 1,613,824 alleles (0.000062%); highest among the groups gnomAD compares: Non-Finnish European, 0.000085%; no homozygotes.

Submission:

Neuberg Centre For Genomic Medicine, NCGM
Classification: Uncertain significance for Focal segmental glomerulosclerosis 2. Review status: criteria provided, single submitter. Criteria: ACMG Guidelines, 2015. Collection method: clinical testing. Allele origin: germline. Inheritance: Autosomal dominant inheritance. Affected: yes.
Comment: The missense variant c.2692C>Gp.Leu898Val in TRPC6 gene has not been reported previously as a pathogenic variant nor as a benign variant, to our knowledge. The variant is novel not in any individuals in gnomAD Exomes and 1000 Genomes. The amino acid Leucine at position 898 is changed to a Valine changing protein sequence and it might alter its composition and physicochemical properties. The variant is predicted to be damaging by SIFT. The amino acid change p.Leu898Val in TRPC6 is predicted as conserved by GERP++ and PhyloP across 100 vertebrates. For these reasons, this variant has been classified as Uncertain Significance.

NM_004621.6(TRPC6):c.2692C>G (p.Leu898Val)

Gene: TRPC6 (transient receptor potential cation channel subfamily C member 6; minus strand). Cytogenetic location: 11q22.1.
Variant type: single nucleotide variant.
Coding change: c.2692C>G on transcript NM_004621.6 (MANE Select); coding-DNA position 2692, C replaced by G.
Protein change: p.Leu898Val; replaces leucine 898 with valine.
Molecular consequence: missense variant.
Genome position (GRCh38, 1-based): chr11:101,453,059, G>C on the plus strand (C>G on the coding strand, the complement: TRPC6 is on the minus strand). VCF-style: chr11-101453059-G-C. GRCh37 (hg19) VCF-style: chr11-101323790-G-C.
Other names: short protein forms L898V.
Identifiers: ClinVar variation 3234872 (VCV003234872.1), dbSNP rs2497274884, ClinGen allele CA382486978.